The following is an entry in ClinVar:

NM_000268.4(NF2):c.383A>G (p.Asp128Gly)

Gene: NF2 (NF2, moesin-ezrin-radixin like (MERLIN) tumor suppressor; plus strand). Cytogenetic location: 22q12.2.
Variant type: single nucleotide variant.
Coding change: c.383A>G on transcript NM_000268.4 (MANE Select); coding-DNA position 383, A replaced by G.
Protein change: p.Asp128Gly; replaces aspartic acid 128 with glycine.
Molecular consequence: missense variant. On other transcripts: 5 prime UTR variant (1), non-coding transcript variant (1).
Genome position (GRCh38, 1-based): chr22:29,642,221, A>G. VCF-style: chr22-29642221-A-G. GRCh37 (hg19) VCF-style: chr22-30038210-A-G.
Other names: c.269A>G, p.Asp90Gly (NM_001407053.1, NM_001407056.1); c.260A>G, p.Asp87Gly (NM_001407054.1, NM_001407058.1, NM_001407062.1 and 1 more transcripts); c.257A>G, p.Asp86Gly (NM_001407055.1, NM_181828.3); c.383A>G, p.Asp128Gly (NM_001407057.1, NM_001407059.1, NM_001407060.1 and 5 more transcripts); c.134A>G, p.Asp45Gly (NM_001407063.1, NM_001407064.1, NM_181830.3 and 1 more transcripts); c.-258A>G (NM_001407065.1); c.152A>G, p.Asp51Gly (NM_001407067.1); short protein forms D45G, D51G, D87G, D90G, D128G, D86G.
Identifiers: ClinVar variation 2845340 (VCV002845340.4), dbSNP rs2146893133, ClinGen allele CA411153755.

ClinVar aggregate classification (germline): Uncertain significance. Review status: criteria provided, multiple submitters, no conflicts (2 of 4 stars). 2 submissions from 2 submitters: Uncertain significance (2). Last evaluated 2024-08-11.

Conditions:
Neurofibromatosis, type 2 (SWNV). Also called: BILATERAL ACOUSTIC NEUROFIBROMATOSIS; NF2-Related Schwannomatosis; SCHWANNOMATOSIS, VESTIBULAR. Identifiers: Orphanet 637, MedGen C0027832, MONDO:0007039, OMIM 101000. Disease mechanism: loss of function.
Hereditary cancer-predisposing syndrome. Also called: Tumor predisposition; Hereditary neoplastic syndrome; Hereditary Cancer Syndrome; Neoplastic Syndromes, Hereditary. Identifiers: Orphanet 140162, MedGen C0027672, MeSH D009386, MONDO:0015356.

Submissions (2):

Ambry Genetics
Classification: Uncertain significance for Hereditary cancer-predisposing syndrome. Last evaluated: 2024-08-11. Review status: criteria provided, single submitter. Criteria: Ambry Variant Classification Scheme 2023. Collection method: clinical testing. Allele origin: germline.
Comment: The p.D128G variant (also known as c.383A>G), located in coding exon 4 of the NF2 gene, results from an A to G substitution at nucleotide position 383. The aspartic acid at codon 128 is replaced by glycine, an amino acid with similar properties. This amino acid position is conserved. In addition, the in silico prediction for this alteration is inconclusive. Based on the available evidence, the clinical significance of this variant remains unclear.

Labcorp Genetics (formerly Invitae), Labcorp
Classification: Uncertain significance for Neurofibromatosis, type 2. Last evaluated: 2023-03-13. Review status: criteria provided, single submitter. Criteria: Invitae Variant Classification Sherloc (09022015). Collection method: clinical testing. Allele origin: germline.
Comment: In summary, the available evidence is currently insufficient to determine the role of this variant in disease. Therefore, it has been classified as a Variant of Uncertain Significance. Advanced modeling of protein sequence and biophysical properties (such as structural, functional, and spatial information, amino acid conservation, physicochemical variation, residue mobility, and thermodynamic stability) performed at Invitae indicates that this missense variant is not expected to disrupt NF2 protein function. This variant has not been reported in the literature in individuals affected with NF2-related conditions. This variant is not present in population databases (gnomAD no frequency). This sequence change replaces aspartic acid, which is acidic and polar, with glycine, which is neutral and non-polar, at codon 128 of the NF2 protein (p.Asp128Gly).